The following is an entry in ClinVar:

ClinVar aggregate classification (germline): Uncertain significance (1 of 4 stars; one submission).

Conditions:
Perlman syndrome (PRLMNS). Identifiers: Orphanet 2849, MedGen C0796113, MONDO:0009965, OMIM 267000.

Submission:

Labcorp Genetics (formerly Invitae), Labcorp
Classification: Uncertain significance for Perlman syndrome. Last evaluated: 2022-02-24. Review status: criteria provided, single submitter. Criteria: Invitae Variant Classification Sherloc (09022015). Collection method: clinical testing. Allele origin: germline.
Comment: This variant results in a copy number gain of the genomic region encompassing exon(s) 20-21 of the DIS3L2 gene. This region includes the termination codon of the gene. This copy number gain extends beyond the assayed region for this gene and therefore may encompass additional genes. As the precise location of this event is unknown, it may be in tandem or it may be located elsewhere in the genome. This variant has not been reported in the literature in individuals affected with DIS3L2-related conditions. In summary, the available evidence is currently insufficient to determine the role of this variant in disease. Therefore, it has been classified as a Variant of Uncertain Significance.

NC_000002.11:g.(?_233200473)_(233201340_?)dup

Gene: DIS3L2 (DIS3 like 3'-5' exoribonuclease 2; plus strand). Cytogenetic location: 2q37.1.
Variant type: Duplication.
Identifiers: ClinVar variation 1004700 (VCV001004700.2).